The following is an entry in ClinVar:

NM_175634.3(RUNX1T1):c.1075C>T (p.His359Tyr)

Gene: RUNX1T1 (RUNX1 partner transcriptional co-repressor 1; minus strand). Cytogenetic location: 8q21.3.
Variant type: single nucleotide variant.
Coding change: c.1075C>T on transcript NM_175634.3 (MANE Select); coding-DNA position 1075, C replaced by T.
Protein change: p.His359Tyr; replaces histidine 359 with tyrosine.
Molecular consequence: missense variant.
Genome position (GRCh38, 1-based): chr8:91,986,889, G>A on the plus strand (C>T on the coding strand, the complement: RUNX1T1 is on the minus strand). VCF-style: chr8-91986889-G-A. GRCh37 (hg19) VCF-style: chr8-92999117-G-A.
Other names: c.1075C>T, p.His359Tyr (NM_001198629.2, NM_001198630.2, NM_001198631.2 and 3 more transcripts); c.994C>T, p.His332Tyr (NM_001198632.2, NM_004349.4, NM_001198625.2); c.1015C>T, p.His339Tyr (NM_001198633.2); c.1108C>T, p.His370Tyr (NM_001198634.2); c.1252C>T, p.His418Tyr (NM_001198679.3); c.1159C>T, p.His387Tyr (NM_001395209.1); c.964C>T, p.His322Tyr (NM_175635.3, NM_175636.2); short protein forms H322Y, H332Y, H339Y, H359Y, H370Y, H387Y, H418Y.
Identifiers: ClinVar variation 5018021 (VCV005018021.1).

ClinVar aggregate classification (germline): Uncertain significance (1 of 4 stars; one submission).

Submission:

GeneDx
Classification: Uncertain significance. Last evaluated: 2026-03-31. Review status: criteria provided, single submitter. Criteria: GeneDx Variant Classification Process June 2021. Collection method: clinical testing. Allele origin: germline.
Comment: Not observed at significant frequency in large population cohorts (gnomAD); In silico analysis suggests that this missense variant does not alter protein structure/function; Has not been previously published as pathogenic or benign to our knowledge